The following is an entry in ClinVar:

ClinVar aggregate classification (germline): Benign/Likely benign. Review status: criteria provided, multiple submitters, no conflicts (2 of 4 stars). 3 submissions from 3 submitters: Benign (1); Likely benign (1). 1 of the submissions does not count toward it. Last evaluated 2024-08-26.

Conditions:
SRD5A3-congenital disorder of glycosylation. Also called: Congenital disorder of glycosylation type 1Q; CDG Iq; Ocular colobomas, ichthyosis, brain malformations and endocrine abnormalities; SRD5A3-CDG; COLOBOMA, OCULAR, WITH ICHTHYOSIS, BRAIN MALFORMATIONS, AND ENDOCRINE ABNORMALITIES. Identifiers: Orphanet 324737, MedGen C4317224, MONDO:0012885, OMIM 612379.
SRD5A3-related disorder. Also called: SRD5A3-related condition; SRD5A3-Related Disorders.

Allele frequency attached by ClinVar (database versions not stated): gnomAD exomes 0.00003; gnomAD 0.00005; TOPMed 0.00008; ExAC 0.00014.

Submissions (3):

Labcorp Genetics (formerly Invitae), Labcorp
Classification: Benign for SRD5A3-congenital disorder of glycosylation. Last evaluated: 2024-08-26. Review status: criteria provided, single submitter. Criteria: Invitae Variant Classification Sherloc (09022015). Collection method: clinical testing. Allele origin: germline.

Blueprint Genetics
Classification: Likely benign. Last evaluated: 2024-06-05. Review status: criteria provided, single submitter. Criteria: ACMG Guidelines, 2015. Collection method: clinical testing. Allele origin: germline.

PreventionGenetics, part of Exact Sciences
Classification: Likely benign for SRD5A3-related condition. Last evaluated: 2020-08-07. Review status: no assertion criteria provided. Collection method: clinical testing. Allele origin: germline. Not counted in ClinVar's aggregate classification.
Comment: This variant is classified as likely benign based on ACMG/AMP sequence variant interpretation guidelines (Richards et al. 2015 PMID: 25741868, with internal and published modifications).

NM_024592.5(SRD5A3):c.720C>T (p.His240=)

Genes: SRD5A3 (steroid 5 alpha-reductase 3; plus strand), SRD5A3-AS1 (SRD5A3 antisense RNA 1; minus strand). Cytogenetic location: 4q12.
Variant type: single nucleotide variant.
Coding change: c.720C>T on transcript NM_024592.5 (MANE Select); coding-DNA position 720, C replaced by T.
Protein change: p.His240=; no amino-acid change (histidine 240 retained).
Molecular consequence: synonymous variant.
Genome position (GRCh38, 1-based): chr4:55,369,854, C>T. VCF-style: chr4-55369854-C-T. GRCh37 (hg19) VCF-style: chr4-56236021-C-T.
Other names: c.585C>T, p.His195= (NM_001410732.1).
Identifiers: ClinVar variation 3032609 (VCV003032609.5), dbSNP rs760207799, ClinGen allele CA2925389.